The following is an entry in ClinVar:

ClinVar aggregate classification (germline): Likely benign. Review status: criteria provided, multiple submitters, no conflicts (2 of 4 stars). 3 submissions from 3 submitters: Likely benign (3). Last evaluated 2026-01-26.

Conditions:
Hereditary cancer-predisposing syndrome. Also called: Hereditary Cancer Syndrome; Neoplastic Syndromes, Hereditary; Hereditary neoplastic syndrome; Tumor predisposition. Identifiers: Orphanet 140162, MedGen C0027672, MeSH D009386, MONDO:0015356.

Allele frequency attached by ClinVar (database versions not stated): ExAC 0.00001; ESP Exome Variant Server 0.00008.
gnomAD v4.1: 7 of 1,614,144 alleles (0.00043%); highest among the groups gnomAD compares: Non-Finnish European, 0.00059%; no homozygotes.

Submissions (3):

Labcorp Genetics (formerly Invitae), Labcorp
Classification: Likely benign. Last evaluated: 2026-01-26. Review status: criteria provided, single submitter. Criteria: Invitae Variant Classification Sherloc (09022015). Collection method: clinical testing. Allele origin: germline.

CeGaT Center for Human Genetics Tuebingen
Classification: Likely benign. Last evaluated: 2026-01-01. Review status: criteria provided, single submitter. Criteria: CeGaT Center For Human Genetics Tuebingen Variant Classification Criteria Version 2. Collection method: clinical testing. Allele origin: germline. Affected: yes. Observed: 2 variant alleles.
Comment: SMARCB1: BP4, BP7

Ambry Genetics
Classification: Likely benign for Hereditary cancer-predisposing syndrome. Last evaluated: 2018-05-02. Review status: criteria provided, single submitter. Criteria: Ambry Variant Classification Scheme 2023. Collection method: clinical testing. Allele origin: germline.

NM_003073.5(SMARCB1):c.933C>T (p.Ile311=)

Gene: SMARCB1 (SWI/SNF related BAF chromatin remodeling complex subunit B1; plus strand). Cytogenetic location: 22q11.23.
Variant type: single nucleotide variant.
Coding change: c.933C>T on transcript NM_003073.5 (MANE Select); coding-DNA position 933, C replaced by T.
Protein change: p.Ile311=; no amino-acid change (isoleucine 311 retained).
Molecular consequence: synonymous variant.
Genome position (GRCh38, 1-based): chr22:23,825,362, C>T. VCF-style: chr22-23825362-C-T. GRCh37 (hg19) VCF-style: chr22-24167549-C-T.
Other names: c.906C>T, p.Ile302= (NM_001007468.3); c.960C>T, p.Ile320= (NM_001317946.2); c.987C>T, p.Ile329= (NM_001362877.2).
Identifiers: ClinVar variation 735216 (VCV000735216.23), dbSNP rs150722737, ClinGen allele CA10146075.